The following is an entry in ClinVar:

ClinVar aggregate classification (germline): Pathogenic (1 of 4 stars; one submission).

Conditions:
Hereditary nonpolyposis colorectal neoplasms. Identifiers: MedGen C0009405, MeSH D003123.

Submission:

Labcorp Genetics (formerly Invitae), Labcorp
Classification: Pathogenic for Hereditary nonpolyposis colorectal neoplasms. Last evaluated: 2024-08-31. Review status: criteria provided, single submitter. Criteria: Invitae Variant Classification Sherloc (09022015). Collection method: clinical testing. Allele origin: germline.
Comment: This sequence change creates a premature translational stop signal (p.Gly1292*) in the MSH6 gene. It is expected to result in an absent or disrupted protein product. Loss-of-function variants in MSH6 are known to be pathogenic (PMID: 18269114, 24362816). This variant is not present in population databases (gnomAD no frequency). This variant has not been reported in the literature in individuals affected with MSH6-related conditions. Studies have shown that this premature translational stop signal is associated with inconclusive levels of altered splicing (internal data). For these reasons, this variant has been classified as Pathogenic.

Literature cited by the submitters: PubMed 18269114; PubMed 24362816.

NM_000179.3(MSH6):c.3860_3872dup (p.Lys1291_Gly1292insTer)

Gene: MSH6 (mutS homolog 6; plus strand). Cytogenetic location: 2p16.3.
Variant type: Duplication.
Coding change: c.3860_3872dup on transcript NM_000179.3 (MANE Select); coding-DNA positions 3860 to 3872, 13 bases duplicated (ATAAATTCATTAA).
Protein change: p.Lys1291_Gly1292insTer.
Molecular consequence: nonsense. On other transcripts: non-coding transcript variant (5), intron variant (1), frameshift variant (1).
Genome position (GRCh38, 1-based): chr2:47,806,510-47,806,522, ATAAATTCATTAA duplicated. VCF-style (leftmost placement, unchanged base first): chr2-47806509-T-TATAAATTCATTAA. GRCh37 (hg19) VCF-style: chr2-48033648-T-TATAAATTCATTAA.
Other names: c.707_719dup, p.Lys240_Gly241insTer (NM_001406832.1); c.1805_1817dup, p.Lys606_Gly607insTer (NM_001407362.1); c.3897+152_3897+164dup (NM_001406802.1); c.3470_3482dup, p.Lys1161_Gly1162insTer (NM_001281492.2); c.2954_2966dup, p.Lys989_Gly990insTer (NM_001281493.2, NM_001281494.2, NM_001406811.1 and 6 more transcripts); c.3956_3968dup, p.Lys1323_Gly1324insTer (NM_001406795.1); c.3860_3872dup, p.Lys1291_Gly1292insTer (NM_001406796.1, NM_001406808.1, NM_001406809.1); c.3563_3575dup, p.Lys1192_Gly1193insTer (NM_001406797.1, NM_001406801.1, NM_001406805.1 and 10 more transcripts); and 9 more; short protein forms R1287fs.
Identifiers: ClinVar variation 3654605 (VCV003654605.2).